The following is an entry in ClinVar:

ClinVar aggregate classification (germline): Benign. Review status: criteria provided, multiple submitters, no conflicts (2 of 4 stars). 2 submissions from 2 submitters: Benign (2). Last evaluated 2018-06-16.

Allele frequency attached by ClinVar (database versions not stated): 1000 Genomes Project 0.12740; gnomAD exomes 0.12784 and 0.16208; 1000 Genomes Project 30x 0.13616; TOPMed 0.15269; gnomAD 0.15554 and 0.15959; ExAC 0.27650.
gnomAD v4.1: 158,979 of 1,207,748 alleles (13%); highest among the groups gnomAD compares: African/African-American, 23%; 11,351 homozygotes.

Submissions (2):

GeneDx
Classification: Benign. Last evaluated: 2018-06-16. Review status: criteria provided, single submitter. Criteria: GeneDx Variant Classification (06012015). Collection method: clinical testing. Allele origin: germline. Affected: yes.
Comment: This variant is considered likely benign or benign based on one or more of the following criteria: it is a conservative change, it occurs at a poorly conserved position in the protein, it is predicted to be benign by multiple in silico algorithms, and/or has population frequency not consistent with disease.

Breakthrough Genomics
Classification: Benign. Review status: criteria provided, single submitter. Criteria: ACMG Guidelines, 2015. Collection method: not provided. Allele origin: germline. Inheritance: Unknown mechanism. Affected: yes.

NM_001080779.2(MYO1C):c.76-1376G>A

Gene: MYO1C (myosin IC; minus strand). Cytogenetic location: 17p13.3.
Variant type: single nucleotide variant.
Coding change: c.76-1376G>A on transcript NM_001080779.2 (MANE Select); 1376 bases into the intron before coding-DNA position 76, G replaced by A.
Molecular consequence: intron variant.
Genome position (GRCh38, 1-based): chr17:1,485,679, C>T on the plus strand (G>A on the coding strand, the complement: MYO1C is on the minus strand). VCF-style: chr17-1485679-C-T. GRCh37 (hg19) VCF-style: chr17-1388973-C-T.
Other names: c.-30-1376G>A (NM_033375.5); c.18+15G>A (NM_001080950.2).
Identifiers: ClinVar variation 683015 (VCV000683015.2), dbSNP rs111532225, ClinGen allele CA8268231.